The following is an entry in ClinVar:

NM_013372.7(GREM1):c.549G>T (p.Leu183Phe)

Gene: GREM1 (gremlin 1, DAN family BMP antagonist; plus strand). Cytogenetic location: 15q13.3.
Variant type: single nucleotide variant.
Coding change: c.549G>T on transcript NM_013372.7 (MANE Select); coding-DNA position 549, G replaced by T.
Protein change: p.Leu183Phe; replaces leucine 183 with phenylalanine.
Molecular consequence: missense variant.
Genome position (GRCh38, 1-based): chr15:32,731,239, G>T. VCF-style: chr15-32731239-G-T. GRCh37 (hg19) VCF-style: chr15-33023440-G-T.
Other names: c.339G>T, p.Leu113Phe (NM_001191322.2); c.426G>T, p.Leu142Phe (NM_001191323.2); c.549G>T, p.Leu183Phe (NM_001368719.1); short protein forms L113F, L183F, L142F.
Identifiers: ClinVar variation 4032192 (VCV004032192.1).
Genomic context (GRCh38, chr15:32,731,239, plus strand): 5'-ACCTACCAAGAAGAAGAGAGTCACACGTGTGAAGCAGTGTCGTTGCATATCCATCGATTT[G>T]GATTAAGCCAAATCCAGGTGCACCCAGCATGTCCTAGGAATGCAGCCCCAGGAAGTCCCA-3'
Protein context (NP_037504.1, residues 173-184): VKQCRCISID[Leu183Phe]D

ClinVar aggregate classification (germline): Uncertain significance (1 of 4 stars; one submission).

Conditions:
Hereditary cancer-predisposing syndrome. Also called: Neoplastic Syndromes, Hereditary; Tumor predisposition; Hereditary neoplastic syndrome; Hereditary Cancer Syndrome. Identifiers: Orphanet 140162, MedGen C0027672, MeSH D009386, MONDO:0015356.

Submission:

Ambry Genetics
Classification: Uncertain significance for Hereditary cancer-predisposing syndrome. Last evaluated: 2025-03-16. Review status: criteria provided, single submitter. Criteria: Ambry Variant Classification Scheme 2023. Collection method: clinical testing. Allele origin: germline.
Comment: The p.L183F variant (also known as c.549G>T), located in coding exon 1 of the GREM1 gene, results from a G to T substitution at nucleotide position 549. The leucine at codon 183 is replaced by phenylalanine, an amino acid with highly similar properties. This amino acid position is conserved. In addition, the in silico prediction for this alteration is inconclusive. Based on the available evidence, the clinical significance of this variant remains unclear.